The following is an entry in ClinVar:

ClinVar aggregate classification (germline): Uncertain significance (1 of 4 stars; one submission).

Allele frequency attached by ClinVar (database versions not stated): gnomAD exomes below 0.00001; TOPMed below 0.00001; gnomAD 0.00003.
gnomAD v4.1: 5 of 1,611,374 alleles (0.00031%); highest among the groups gnomAD compares: Admixed American, 0.0084%; no homozygotes.

Submission:

Labcorp Genetics (formerly Invitae), Labcorp
Classification: Uncertain significance. Last evaluated: 2025-12-21. Review status: criteria provided, single submitter. Criteria: Invitae Variant Classification Sherloc (09022015). Collection method: clinical testing. Allele origin: germline.
Comment: This sequence change replaces glycine, which is neutral and non-polar, with alanine, which is neutral and non-polar, at codon 1454 of the LRP5 protein (p.Gly1454Ala). This variant is not present in population databases (gnomAD no frequency). This variant has not been reported in the literature in individuals affected with LRP5-related conditions. ClinVar contains an entry for this variant (Variation ID: 1934720). Invitae Evidence Modeling of protein sequence and biophysical properties (such as structural, functional, and spatial information, amino acid conservation, physicochemical variation, residue mobility, and thermodynamic stability) indicates that this missense variant is not expected to disrupt LRP5 protein function with a negative predictive value of 95%. In summary, the available evidence is currently insufficient to determine the role of this variant in disease. Therefore, it has been classified as a Variant of Uncertain Significance.

NM_002335.4(LRP5):c.4361G>C (p.Gly1454Ala)

Gene: LRP5 (LDL receptor related protein 5; plus strand). Cytogenetic location: 11q13.2.
Variant type: single nucleotide variant.
Coding change: c.4361G>C on transcript NM_002335.4 (MANE Select); coding-DNA position 4361, G replaced by C.
Protein change: p.Gly1454Ala; replaces glycine 1454 with alanine.
Molecular consequence: missense variant.
Genome position (GRCh38, 1-based): chr11:68,439,789, G>C. VCF-style: chr11-68439789-G-C. GRCh37 (hg19) VCF-style: chr11-68207257-G-C.
Other names: c.2618G>C, p.Gly873Ala (NM_001291902.2); short protein forms G1454A, G873A.
Identifiers: ClinVar variation 1934720 (VCV001934720.5), dbSNP rs2098677119, ClinGen allele CA381615982.